The following is an entry in ClinVar:

ClinVar aggregate classification (germline): Uncertain significance (1 of 4 stars; one submission).

Allele frequency attached by ClinVar (database versions not stated): gnomAD exomes below 0.00001.
gnomAD v4.1: 2 of 1,608,646 alleles (0.00012%); highest among the groups gnomAD compares: Non-Finnish European, 0.000085%; no homozygotes.

Submission:

Labcorp Genetics (formerly Invitae), Labcorp
Classification: Uncertain significance. Last evaluated: 2022-07-03. Review status: criteria provided, single submitter. Criteria: Invitae Variant Classification Sherloc (09022015). Collection method: clinical testing. Allele origin: germline.
Comment: In summary, the available evidence is currently insufficient to determine the role of this variant in disease. Therefore, it has been classified as a Variant of Uncertain Significance. Algorithms developed to predict the effect of missense changes on protein structure and function (SIFT, PolyPhen-2, Align-GVGD) all suggest that this variant is likely to be disruptive. This variant has not been reported in the literature in individuals affected with TNK2-related conditions. This variant is not present in population databases (gnomAD no frequency). This sequence change replaces glycine, which is neutral and non-polar, with arginine, which is basic and polar, at codon 257 of the TNK2 protein (p.Gly257Arg).

NM_001382273.1(TNK2):c.580G>A (p.Gly194Arg)

Gene: TNK2 (tyrosine kinase non receptor 2; minus strand). Cytogenetic location: 3q29.
Variant type: single nucleotide variant.
Coding change: c.580G>A on transcript NM_001382273.1 (MANE Select); coding-DNA position 580, G replaced by A.
Protein change: p.Gly194Arg; replaces glycine 194 with arginine.
Molecular consequence: missense variant. On other transcripts: non-coding transcript variant (15).
Genome position (GRCh38, 1-based): chr3:195,883,186, C>T on the plus strand (G>A on the coding strand, the complement: TNK2 is on the minus strand). VCF-style: chr3-195883186-C-T. GRCh37 (hg19) VCF-style: chr3-195610057-C-T.
Other names: c.652G>A, p.Gly218Arg (NM_001010938.2, NM_001382272.1, NM_001387708.1 and 1 more transcripts); c.676G>A, p.Gly226Arg (NM_001308046.2, NM_001382271.1, NM_001382275.1 and 1 more transcripts); c.580G>A, p.Gly194Arg (NM_001382274.1, NM_001386164.1, NM_001387709.1 and 12 more transcripts); short protein forms G194R, G226R, G218R.
Identifiers: ClinVar variation 2188796 (VCV002188796.4), dbSNP rs2475256326, ClinGen allele CA355581443.